The following is an entry in ClinVar:

ClinVar aggregate classification (germline): Uncertain significance (1 of 4 stars; one submission).

Conditions:
Left ventricular noncompaction 8 (LVNC8). Identifiers: Orphanet 154, Orphanet 54260, MedGen C3809288, MONDO:0014152, OMIM 615373.

gnomAD v4.1: 6 of 1,613,748 alleles (0.00037%); highest among the groups gnomAD compares: Non-Finnish European, 0.00051%; no homozygotes.

Submission:

Labcorp Genetics (formerly Invitae), Labcorp
Classification: Uncertain significance for Left ventricular noncompaction 8. Last evaluated: 2025-05-25. Review status: criteria provided, single submitter. Criteria: Invitae Variant Classification Sherloc (09022015). Collection method: clinical testing. Allele origin: germline.
Comment: This sequence change replaces leucine, which is neutral and non-polar, with proline, which is neutral and non-polar, at codon 1225 of the PRDM16 protein (p.Leu1225Pro). This variant is present in population databases (rs768006911, gnomAD 0.005%). This variant has not been reported in the literature in individuals affected with PRDM16-related conditions. An algorithm developed to predict the effect of missense changes on protein structure and function (PolyPhen-2) suggests that this variant is likely to be disruptive. In summary, the available evidence is currently insufficient to determine the role of this variant in disease. Therefore, it has been classified as a Variant of Uncertain Significance.

NM_022114.4(PRDM16):c.3674T>C (p.Leu1225Pro)

Gene: PRDM16 (PR/SET domain 16; plus strand). Cytogenetic location: 1p36.32.
Variant type: single nucleotide variant.
Coding change: c.3674T>C on transcript NM_022114.4 (MANE Select); coding-DNA position 3674, T replaced by C.
Protein change: p.Leu1225Pro; replaces leucine 1225 with proline.
Molecular consequence: missense variant.
Genome position (GRCh38, 1-based): chr1:3,432,118, T>C. VCF-style: chr1-3432118-T-C. GRCh37 (hg19) VCF-style: chr1-3348682-T-C.
Other names: c.3674T>C, p.Leu1225Pro (NM_199454.3); short protein forms L1225P.
Identifiers: ClinVar variation 4764367 (VCV004764367.1).